The following is an entry in ClinVar:

NM_004082.5(DCTN1):c.3796C>A (p.Gln1266Lys)

Gene: DCTN1 (dynactin subunit 1; minus strand). Cytogenetic location: 2p13.1.
Variant type: single nucleotide variant.
Coding change: c.3796C>A on transcript NM_004082.5 (MANE Select); coding-DNA position 3796, C replaced by A.
Protein change: p.Gln1266Lys; replaces glutamine 1266 with lysine.
Molecular consequence: missense variant. On other transcripts: non-coding transcript variant (1).
Genome position (GRCh38, 1-based): chr2:74,361,540, G>T on the plus strand (C>A on the coding strand, the complement: DCTN1 is on the minus strand). VCF-style: chr2-74361540-G-T. GRCh37 (hg19) VCF-style: chr2-74588667-G-T.
Other names: c.3721C>A, p.Gln1241Lys (NM_001135040.3); c.3379C>A, p.Gln1127Lys (NM_001135041.3); c.3670C>A, p.Gln1224Lys (NM_001190836.2); c.3775C>A, p.Gln1259Lys (NM_001190837.2); c.3745C>A, p.Gln1249Lys (NM_001378991.1); c.3727C>A, p.Gln1243Lys (NM_001378992.1); c.3394C>A, p.Gln1132Lys (NM_023019.4); short protein forms Q1127K, Q1132K, Q1224K, Q1259K, Q1241K, Q1243K, Q1249K, Q1266K.
Identifiers: ClinVar variation 1387060 (VCV001387060.8), dbSNP rs538932463, ClinGen allele CA1721346.

ClinVar aggregate classification (germline): Conflicting classifications of pathogenicity. Review status: criteria provided, conflicting classifications (1 of 4 stars). 3 submissions from 3 submitters: Uncertain significance (2); Likely benign (1). Last evaluated 2025-05-01.

Conditions:
Amyotrophic lateral sclerosis (ALS). Also called: Charcot disease; Lou Gehrig disease. Identifiers: Orphanet 803, MedGen C0002736, MONDO:0004976, HP:0007354.
Perry syndrome. Also called: PARKINSONISM WITH ALVEOLAR HYPOVENTILATION AND MENTAL DEPRESSION. Identifiers: Orphanet 178509, MedGen C1868594, MONDO:0008201, OMIM 168605.
Neuronopathy, distal hereditary motor, type 7B. Also called: Distal Hereditary Motor Neuronopathy Type 7B (dHMN7B); HMN VIIB; LOWER MOTOR NEURON DISEASE, DYNACTIN TYPE; NEURONOPATHY, DISTAL HEREDITARY MOTOR, AUTOSOMAL DOMINANT 14; NEURONOPATHY, DISTAL HEREDITARY MOTOR, HARDING TYPE VIIB; NEUROPATHY, DISTAL HEREDITARY MOTOR, HARDING TYPE VIIB. Identifiers: Orphanet 139589, MedGen C1843315, MONDO:0011879, OMIM 607641.
Amyotrophic lateral sclerosis type 1 (ALS1). Also called: AMYOTROPHIC LATERAL SCLEROSIS 1, FAMILIAL. Identifiers: Orphanet 803, MedGen C1862939, MONDO:0007103, OMIM 105400.

Allele frequency attached by ClinVar (database versions not stated): gnomAD 0.00001; gnomAD exomes 0.00001 and 0.00003; TOPMed 0.00002; ExAC 0.00005; 1000 Genomes Project 30x 0.00016; 1000 Genomes Project 0.00020.
gnomAD v4.1: 17 of 1,614,146 alleles (0.0011%); highest among the groups gnomAD compares: South Asian, 0.018%; no homozygotes.

Submissions (3):

Labcorp Genetics (formerly Invitae), Labcorp
Classification: Uncertain significance for Amyotrophic lateral sclerosis type 1; Neuronopathy, distal hereditary motor, type 7B; Perry syndrome. Last evaluated: 2025-05-01. Review status: criteria provided, single submitter. Criteria: Invitae Variant Classification Sherloc (09022015). Collection method: clinical testing. Allele origin: germline.
Comment: This sequence change replaces glutamine, which is neutral and polar, with lysine, which is basic and polar, at codon 1266 of the DCTN1 protein (p.Gln1266Lys). This variant is present in population databases (rs538932463, gnomAD 0.02%). This variant has not been reported in the literature in individuals affected with DCTN1-related conditions. ClinVar contains an entry for this variant (Variation ID: 1387060). Invitae Evidence Modeling of protein sequence and biophysical properties (such as structural, functional, and spatial information, amino acid conservation, physicochemical variation, residue mobility, and thermodynamic stability) indicates that this missense variant is not expected to disrupt DCTN1 protein function with a negative predictive value of 95%. In summary, the available evidence is currently insufficient to determine the role of this variant in disease. Therefore, it has been classified as a Variant of Uncertain Significance.

Cambridge Genomics Laboratory, East Genomic Laboratory Hub, NHS Genomic Medicine Service
Classification: Likely benign for Amyotrophic lateral sclerosis. Last evaluated: 2020-03-30. Review status: criteria provided, single submitter. Criteria: ACGS Best Practice Guidelines for Variant Classification in Rare Disease 2020. Collection method: clinical testing. Allele origin: germline. Affected: yes. Observed: 1 variant allele.

Breakthrough Genomics
Classification: Uncertain significance. Review status: criteria provided, single submitter. Criteria: ACMG Guidelines, 2015. Collection method: not provided. Allele origin: germline. Inheritance: Autosomal recessive inheritance. Affected: yes.